The following is an entry in ClinVar:

NM_001099289.3(SH3RF3):c.249G>C (p.Glu83Asp)

Genes: RANBP2 (RAN binding protein 2; plus strand), SH3RF3 (SH3 domain containing ring finger 3; plus strand), SH3RF3-AS1 (SH3RF3 antisense RNA 1; minus strand). Cytogenetic location: 2q13.
Variant type: single nucleotide variant.
Coding change: c.249G>C on transcript NM_001099289.3 (MANE Select); coding-DNA position 249, G replaced by C.
Protein change: p.Glu83Asp; replaces glutamic acid 83 with aspartic acid.
Molecular consequence: missense variant. On other transcripts: non-coding transcript variant (1).
Genome position (GRCh38, 1-based): chr2:109,129,789, G>C. VCF-style: chr2-109129789-G-C. GRCh37 (hg19) VCF-style: chr2-109746245-G-C.
Other names: short protein forms E83D.
Identifiers: ClinVar variation 3441115 (VCV003441115.1).

ClinVar aggregate classification (germline): Uncertain significance (1 of 4 stars; one submission).

gnomAD v4.1: 86 of 1,539,390 alleles (0.0056%); highest among the groups gnomAD compares: Non-Finnish European, 0.0071%; no homozygotes.

Submission:

Ambry Genetics
Classification: Uncertain significance. Last evaluated: 2024-07-30. Review status: criteria provided, single submitter. Criteria: Ambry Variant Classification Scheme 2023. Collection method: clinical testing. Allele origin: germline.
Comment: The c.249G>C (p.E83D) alteration is located in exon (coding exon ) of the SH3RF3 gene. This alteration results from a G to C substitution at nucleotide position 249, causing the glutamic acid (E) at amino acid position 83 to be replaced by an aspartic acid (D). Based on insufficient or conflicting evidence, the clinical significance of this alteration remains unclear.